The following is an entry in ClinVar:

NM_001110556.2(FLNA):c.1019G>C (p.Arg340Pro)

Gene: FLNA (filamin A; minus strand). Cytogenetic location: Xq28.
Variant type: single nucleotide variant.
Coding change: c.1019G>C on transcript NM_001110556.2 (MANE Select); coding-DNA position 1019, G replaced by C.
Protein change: p.Arg340Pro; replaces arginine 340 with proline.
Molecular consequence: missense variant.
Genome position (GRCh38, 1-based): chrX:154,366,608, C>G on the plus strand (G>C on the coding strand, the complement: FLNA is on the minus strand). VCF-style: chrX-154366608-C-G. GRCh37 (hg19) VCF-style: chrX-153594976-C-G.
Other names: c.1019G>C, p.Arg340Pro (NM_001456.4); short protein forms R340P.
Identifiers: ClinVar variation 1753630 (VCV001753630.2), dbSNP rs371368679, ClinGen allele CA415247199.
Genomic context (GRCh38, chrX:154,366,608, plus strand): 5'-GGCCAAGGGCTCACCTTATGAGTCCCCGTCACCTCGGGGACGTACCAGACGGAGAAGGTG[C>G]GGTTCTTGTCGTTATTGGCGGTCACTTTTGCCTGCAGTGGGAAGGAGCCTGTGAGCCTTT-3'
Protein context (NP_001104026.1, residues 330-350): AKVTANNDKN[Arg340Pro]TFSVWYVPEV

ClinVar aggregate classification (germline): Uncertain significance (1 of 4 stars; one submission).

Conditions:
Familial thoracic aortic aneurysm and aortic dissection (TAAD). Also called: Thoracic aortic aneurysms and dissections. Identifiers: Orphanet 91387, MedGen C4707243, MONDO:0019625.

Submission:

Ambry Genetics
Classification: Uncertain significance for Familial thoracic aortic aneurysm and aortic dissection. Last evaluated: 2022-09-21. Review status: criteria provided, single submitter. Criteria: Ambry Variant Classification Scheme 2023. Collection method: clinical testing. Allele origin: germline.
Comment: The p.R340P variant (also known as c.1019G>C), located in coding exon 6 of the FLNA gene, results from a G to C substitution at nucleotide position 1019. The arginine at codon 340 is replaced by proline, an amino acid with dissimilar properties. This amino acid position is well conserved in available vertebrate species. In addition, the in silico prediction for this alteration is inconclusive. Since supporting evidence is limited at this time, the clinical significance of this alteration remains unclear.